The following is an entry in ClinVar:

NM_002227.4(JAK1):c.1459-38C>T

Gene: JAK1 (Janus kinase 1; minus strand). Cytogenetic location: 1p31.3.
Variant type: single nucleotide variant.
Coding change: c.1459-38C>T on transcript NM_002227.4 (MANE Select); 38 bases into the intron before coding-DNA position 1459, C replaced by T.
Molecular consequence: intron variant.
Genome position (GRCh38, 1-based): chr1:64,855,736, G>A on the plus strand (C>T on the coding strand, the complement: JAK1 is on the minus strand). VCF-style: chr1-64855736-G-A. GRCh37 (hg19) VCF-style: chr1-65321419-G-A.
Other names: c.1459-38C>T (NM_001321852.2, NM_001321854.2, NM_001321853.2 and 3 more transcripts); c.1459-41C>T (NM_001321857.2).
Identifiers: ClinVar variation 2628286 (VCV002628286.2), dbSNP rs11579283, ClinGen allele CA892920.

ClinVar aggregate classification (germline): Benign (1 of 4 stars; one submission).

Allele frequency attached by ClinVar (database versions not stated): 1000 Genomes Project 0.03874; 1000 Genomes Project 30x 0.03935; ESP Exome Variant Server 0.04528; gnomAD 0.05310; TOPMed 0.05735; gnomAD exomes 0.06442; ExAC 0.06453.
gnomAD v4.1: 99,564 of 1,580,746 alleles (6.3%); highest among the groups gnomAD compares: Admixed American, 16%; 3,885 homozygotes.

Submission:

Unidad de Genómica Garrahan, Hospital de Pediatría Garrahan
Classification: Benign. Last evaluated: 2023-11-12. Review status: criteria provided, single submitter. Criteria: ACMG Guidelines, 2015. Collection method: clinical testing. Allele origin: germline. Affected: no. Observed: 21 variant alleles.
Comment: This variant is classified as Benign based on local population frequency. This variant was detected in 22% of patients studied by a panel of primary immunodeficiencies. Number of patients: 21. Only high quality variants are reported.